The following is an entry in ClinVar:

NM_000393.5(COL5A2):c.3106_3117del (p.Pro1036_Ser1039del)

Gene: COL5A2 (collagen type V alpha 2 chain; minus strand). Cytogenetic location: 2q32.2.
Variant type: Deletion.
Coding change: c.3106_3117del on transcript NM_000393.5 (MANE Select); coding-DNA positions 3106 to 3117, 12 bases deleted (CCCCCAGGCTCC).
Protein change: p.Pro1036_Ser1039del.
Molecular consequence: inframe deletion.
Genome position (GRCh38, 1-based): chr2:189,049,377-189,049,388, GGAGCCTGGGGG deleted on the plus strand (CCCCCAGGCTCC on the coding strand, the reverse complement: COL5A2 is on the minus strand). VCF-style (leftmost placement, unchanged base first): chr2-189049376-TGGAGCCTGGGGG-T. GRCh37 (hg19) VCF-style: chr2-189914102-TGGAGCCTGGGGG-T.
Identifiers: ClinVar variation 4755399 (VCV004755399.1).

ClinVar aggregate classification (germline): Likely pathogenic (1 of 4 stars; one submission).

Conditions:
Ehlers-Danlos syndrome, classic type, 2 (EDSCL2). Also called: Ehlers-Danlos syndrome, type 2; Ehlers-Danlos syndrome type 2 (formerly); Ehlers-Danlos Syndrome, Classic Type, COL5A2-Related. Identifiers: Orphanet 287, Orphanet 90318, MedGen C0268336, MONDO:0019568, OMIM 130010.

Submission:

The Genetics Institute, Rambam Health Care Campus
Classification: Likely pathogenic for Ehlers-Danlos syndrome, classic type, 2. Last evaluated: 2026-01-28. Review status: criteria provided, single submitter. Criteria: ACMG Guidelines, 2015. Collection method: clinical testing. Allele origin: unknown. Affected: yes.
Comment: [PM2_s, PM4_strong, PP4] The c.3106_3117del variant results in an inframe deletion in a conserved region. The change is located in exon 44 and disrupts the Gly-Xaa-Yaa triplet sequence that is essential for protein function (PMID: 11668615, 35885981). This variant has not been reported in the literature in individuals affected with COL5A2-related conditions. The p.(Pro1036_Ser1039del) variant is absent from the Genome Aggregation Database (v.2), indicating it is not a common polymorphism. Based on the above information, the p.(Pro1036_Ser1039del) variant is classified as likely pathogenic.

Literature cited by the submitters: PubMed 11668615; PubMed 35885981.